The following is an entry in ClinVar:

NM_000530.8(MPZ):c.295A>T (p.Ile99Phe)

Gene: MPZ (myelin protein zero; minus strand). Cytogenetic location: 1q23.3.
Variant type: single nucleotide variant.
Coding change: c.295A>T on transcript NM_000530.8 (MANE Select); coding-DNA position 295, A replaced by T.
Protein change: p.Ile99Phe; replaces isoleucine 99 with phenylalanine.
Molecular consequence: missense variant.
Genome position (GRCh38, 1-based): chr1:161,306,861, T>A on the plus strand (A>T on the coding strand, the complement: MPZ is on the minus strand). VCF-style: chr1-161306861-T-A. GRCh37 (hg19) VCF-style: chr1-161276651-T-A.
Other names: c.295A>T, p.Ile99Phe (NM_001315491.2); short protein forms I99F.
Identifiers: ClinVar variation 3665868 (VCV003665868.2).

ClinVar aggregate classification (germline): Uncertain significance (1 of 4 stars; one submission).

Conditions:
Charcot-Marie-Tooth disease, type I (CMT1). Also called: Charcot-Marie-Tooth, Type 1; Charcot-Marie-Tooth disease type 1. Identifiers: Orphanet 65753, MedGen C0751036, MONDO:0019011.

Submission:

Labcorp Genetics (formerly Invitae), Labcorp
Classification: Uncertain significance for Charcot-Marie-Tooth disease, type I. Last evaluated: 2024-10-23. Review status: criteria provided, single submitter. Criteria: Invitae Variant Classification Sherloc (09022015). Collection method: clinical testing. Allele origin: germline.
Comment: This sequence change replaces isoleucine, which is neutral and non-polar, with phenylalanine, which is neutral and non-polar, at codon 99 of the MPZ protein (p.Ile99Phe). This variant is not present in population databases (gnomAD no frequency). This variant has not been reported in the literature in individuals affected with MPZ-related conditions. Invitae Evidence Modeling of protein sequence and biophysical properties (such as structural, functional, and spatial information, amino acid conservation, physicochemical variation, residue mobility, and thermodynamic stability) indicates that this missense variant is not expected to disrupt MPZ protein function with a negative predictive value of 80%. This variant disrupts the p.Ile99 amino acid residue in MPZ. Other variant(s) that disrupt this residue have been determined to be pathogenic (PMID: 9888385, 10093067, 11080236, 26310628, 29687021). This suggests that this residue is clinically significant, and that variants that disrupt this residue are likely to be disease-causing. In summary, the available evidence is currently insufficient to determine the role of this variant in disease. Therefore, it has been classified as a Variant of Uncertain Significance.

Literature cited by the submitters: PubMed 9888385; PubMed 10093067; PubMed 11080236; PubMed 26310628; PubMed 29687021.